The following is an entry in ClinVar:

NM_001165963.4(SCN1A):c.4477-2A>G

Genes: SCN1A (sodium voltage-gated channel alpha subunit 1; minus strand), LOC102724058 (uncharacterized LOC102724058; plus strand). Cytogenetic location: 2q24.3.
Variant type: single nucleotide variant.
Coding change: c.4477-2A>G on transcript NM_001165963.4 (MANE Select); the canonical splice acceptor site of the intron before coding-DNA position 4477, A replaced by G.
Molecular consequence: splice acceptor variant.
Genome position (GRCh38, 1-based): chr2:165,996,119, T>C on the plus strand (A>G on the coding strand, the complement: SCN1A is on the minus strand). VCF-style: chr2-165996119-T-C. GRCh37 (hg19) VCF-style: chr2-166852629-T-C.
Other names: c.4477-2A>G (AB093548.1, NM_001202435.3, NM_001353948.2); c.4444-2A>G (NM_001353949.2, NM_001353950.2, NM_001353951.2 and 2 more transcripts); c.4393-2A>G (NM_001353958.2, NM_001353957.2, NM_001165964.3); c.4441-2A>G (NM_001353955.2, NM_001353954.2); c.4390-2A>G (NM_001353960.2); c.2035-2A>G (NM_001353961.2).
Identifiers: ClinVar variation 217247 (VCV000217247.10), dbSNP rs863225036, ClinGen allele CA325463.

ClinVar aggregate classification (germline): Pathogenic. Review status: criteria provided, multiple submitters, no conflicts (2 of 4 stars). 2 submissions from 2 submitters: Pathogenic (2). Last evaluated 2024-02-23.

Conditions:
Early-infantile DEE. Also called: Early infantile epileptic encephalopathy with suppression bursts; Early infantile epileptic encephalopathy; Ohtahara syndrome. Identifiers: Orphanet 1934, MedGen C0393706, MONDO:0800491.
Severe myoclonic epilepsy in infancy (DRVT). Also called: Epileptic encephalopathy, early infantile, 6 (Dravet syndrome); Severe Myoclonic Epilepsy in Infancy (SMEI); Dravet syndrome; SEVERE MYOCLONIC EPILEPSY OF INFANCY; DEVELOPMENTAL AND EPILEPTIC ENCEPHALOPATHY 6A. Identifiers: Orphanet 33069, MedGen C0751122, MONDO:0100135, OMIM 607208.

Submissions (2):

Labcorp Genetics (formerly Invitae), Labcorp
Classification: Pathogenic for Early-infantile DEE. Last evaluated: 2024-02-23. Review status: criteria provided, single submitter. Criteria: Invitae Variant Classification Sherloc (09022015). Collection method: clinical testing. Allele origin: germline.
Comment: This sequence change affects an acceptor splice site in intron 23 of the SCN1A gene. It is expected to disrupt RNA splicing. Variants that disrupt the donor or acceptor splice site typically lead to a loss of protein function (PMID: 16199547), and loss-of-function variants in SCN1A are known to be pathogenic (PMID: 17347258, 18930999). This variant is not present in population databases (gnomAD no frequency). Disruption of this splice site has been observed in individual(s) with clinical features of SCN1A-related epilepsy (PMID: 21425109; Invitae). In at least one individual the variant was observed to be de novo. ClinVar contains an entry for this variant (Variation ID: 217247). Experimental studies and prediction algorithms are not available or were not evaluated, and the functional significance of this variant is currently unknown. Algorithms developed to predict the effect of sequence changes on RNA splicing suggest that this variant may disrupt the consensus splice site. For these reasons, this variant has been classified as Pathogenic.

Athena Diagnostics
Classification: Pathogenic for Severe myoclonic epilepsy in infancy. Last evaluated: 2013-03-27. Review status: criteria provided, single submitter. Criteria: Athena Diagnostics Criteria. Collection method: clinical testing. Allele origin: germline. Inheritance: Autosomal dominant inheritance.

Literature cited by the submitters: PubMed 16199547 (cited by Labcorp Genetics (formerly Invitae), Labcorp); PubMed 17347258 (cited by Labcorp Genetics (formerly Invitae), Labcorp); PubMed 18930999 (cited by Labcorp Genetics (formerly Invitae), Labcorp); PubMed 21425109 (cited by Labcorp Genetics (formerly Invitae), Labcorp and Athena Diagnostics).